The following is an entry in ClinVar:

NM_001378454.1(ALMS1):c.7688C>G (p.Pro2563Arg)

Gene: ALMS1 (ALMS1 centrosome and basal body associated protein; plus strand). Cytogenetic location: 2p13.1.
Variant type: single nucleotide variant.
Coding change: c.7688C>G on transcript NM_001378454.1 (MANE Select); coding-DNA position 7688, C replaced by G.
Protein change: p.Pro2563Arg; replaces proline 2563 with arginine.
Molecular consequence: missense variant.
Genome position (GRCh38, 1-based): chr2:73,489,647, C>G. VCF-style: chr2-73489647-C-G. GRCh37 (hg19) VCF-style: chr2-73716774-C-G.
Other names: c.7691C>G, p.Pro2564Arg (NM_015120.4); short protein forms P2564R, P2563R.
Identifiers: ClinVar variation 1760156 (VCV001760156.4), dbSNP rs760945886, ClinGen allele CA1714320.

ClinVar aggregate classification (germline): Uncertain significance. Review status: criteria provided, multiple submitters, no conflicts (2 of 4 stars). 2 submissions from 2 submitters: Uncertain significance (2). Last evaluated 2022-02-02.

Conditions:
Alstrom syndrome (ALMS). Identifiers: Orphanet 64, MedGen C0268425, MONDO:0008763, OMIM 203800.
Cardiovascular phenotype. Identifiers: MedGen CN230736.

Allele frequency attached by ClinVar (database versions not stated): TOPMed below 0.00001.
gnomAD v4.1: 8 of 1,613,878 alleles (0.0005%); highest among the groups gnomAD compares: East Asian, 0.016%; no homozygotes.

Submissions (2):

Labcorp Genetics (formerly Invitae), Labcorp
Classification: Uncertain significance for Alstrom syndrome. Last evaluated: 2022-02-02. Review status: criteria provided, single submitter. Criteria: Invitae Variant Classification Sherloc (09022015). Collection method: clinical testing. Allele origin: germline.
Comment: This sequence change replaces proline, which is neutral and non-polar, with arginine, which is basic and polar, at codon 2564 of the ALMS1 protein (p.Pro2564Arg). This variant is present in population databases (rs760945886, gnomAD 0.03%). This variant has not been reported in the literature in individuals affected with ALMS1-related conditions. Experimental studies and prediction algorithms are not available or were not evaluated, and the functional significance of this variant is currently unknown. In summary, the available evidence is currently insufficient to determine the role of this variant in disease. Therefore, it has been classified as a Variant of Uncertain Significance.

Ambry Genetics
Classification: Uncertain significance for Cardiovascular phenotype. Last evaluated: 2021-12-20. Review status: criteria provided, single submitter. Criteria: Ambry Variant Classification Scheme 2023. Collection method: clinical testing. Allele origin: germline.
Comment: The p.P2564R variant (also known as c.7691C>G), located in coding exon 10 of the ALMS1 gene, results from a C to G substitution at nucleotide position 7691. The proline at codon 2564 is replaced by arginine, an amino acid with dissimilar properties. This amino acid position is highly conserved in available vertebrate species. In addition, the in silico prediction for this alteration is inconclusive. Since supporting evidence is limited at this time, the clinical significance of this alteration remains unclear.